The following is an entry in ClinVar:

NM_015378.4(VPS13D):c.2400T>A (p.Ser800Arg)

Gene: VPS13D (vacuolar protein sorting 13 homolog D; plus strand). Cytogenetic location: 1p36.22.
Variant type: single nucleotide variant.
Coding change: c.2400T>A on transcript NM_015378.4 (MANE Select); coding-DNA position 2400, T replaced by A.
Protein change: p.Ser800Arg; replaces serine 800 with arginine.
Molecular consequence: missense variant.
Genome position (GRCh38, 1-based): chr1:12,275,988, T>A. VCF-style: chr1-12275988-T-A. GRCh37 (hg19) VCF-style: chr1-12336045-T-A.
Other names: c.2400T>A, p.Ser800Arg (NM_018156.4); short protein forms S800R.
Identifiers: ClinVar variation 2191225 (VCV002191225.1), dbSNP rs938227854, ClinGen allele CA18041739.

ClinVar aggregate classification (germline): Uncertain significance (1 of 4 stars; one submission).

Allele frequency attached by ClinVar (database versions not stated): gnomAD exomes 0.00001; gnomAD 0.00002; TOPMed 0.00003.
gnomAD v4.1: 11 of 1,613,778 alleles (0.00068%); highest among the groups gnomAD compares: Non-Finnish European, 0.00093%; no homozygotes.

Submission:

Labcorp Genetics (formerly Invitae), Labcorp
Classification: Uncertain significance. Last evaluated: 2022-08-21. Review status: criteria provided, single submitter. Criteria: Invitae Variant Classification Sherloc (09022015). Collection method: clinical testing. Allele origin: germline.
Comment: This sequence change replaces serine, which is neutral and polar, with arginine, which is basic and polar, at codon 800 of the VPS13D protein (p.Ser800Arg). This variant is present in population databases (no rsID available, gnomAD 0.003%). This variant has not been reported in the literature in individuals affected with VPS13D-related conditions. Algorithms developed to predict the effect of missense changes on protein structure and function are either unavailable or do not agree on the potential impact of this missense change (SIFT: "Tolerated"; PolyPhen-2: "Probably Damaging"; Align-GVGD: "Class C0"). In summary, the available evidence is currently insufficient to determine the role of this variant in disease. Therefore, it has been classified as a Variant of Uncertain Significance.